The following is an entry in ClinVar:

NM_000419.5(ITGA2B):c.2575C>T (p.Pro859Ser)

Gene: ITGA2B (integrin subunit alpha 2b; minus strand). Cytogenetic location: 17q21.31.
Variant type: single nucleotide variant.
Coding change: c.2575C>T on transcript NM_000419.5 (MANE Select); coding-DNA position 2575, C replaced by T.
Protein change: p.Pro859Ser; replaces proline 859 with serine.
Molecular consequence: missense variant.
Genome position (GRCh38, 1-based): chr17:44,375,859, G>A on the plus strand (C>T on the coding strand, the complement: ITGA2B is on the minus strand). VCF-style: chr17-44375859-G-A. GRCh37 (hg19) VCF-style: chr17-42453227-G-A.
Other names: short protein forms P859S.
Identifiers: ClinVar variation 2098013 (VCV002098013.4), dbSNP rs2048537772, ClinGen allele CA399794365.

ClinVar aggregate classification (germline): Uncertain significance (1 of 4 stars; one submission).

Conditions:
Glanzmann thrombasthenia. Also called: BLEEDING DISORDER, PLATELET-TYPE, 2; THROMBASTHENIA OF GLANZMANN AND NAEGELI; Thrombasthenia; Glanzmann's thrombasthenia; PLATELET GLYCOPROTEIN IIb-IIIa DEFICIENCY. Identifiers: Orphanet 849, MedGen C0040015, MONDO:0100326.

Submission:

Labcorp Genetics (formerly Invitae), Labcorp
Classification: Uncertain significance for Glanzmann thrombasthenia. Last evaluated: 2022-03-04. Review status: criteria provided, single submitter. Criteria: Invitae Variant Classification Sherloc (09022015). Collection method: clinical testing. Allele origin: germline.
Comment: This sequence change replaces proline, which is neutral and non-polar, with serine, which is neutral and polar, at codon 859 of the ITGA2B protein (p.Pro859Ser). This variant is not present in population databases (gnomAD no frequency). This variant has not been reported in the literature in individuals affected with ITGA2B-related conditions. Algorithms developed to predict the effect of missense changes on protein structure and function output the following: SIFT: "Tolerated"; PolyPhen-2: "Benign"; Align-GVGD: "Class C0". The serine amino acid residue is found in multiple mammalian species, which suggests that this missense change does not adversely affect protein function. In summary, the available evidence is currently insufficient to determine the role of this variant in disease. Therefore, it has been classified as a Variant of Uncertain Significance.